The following is an entry in ClinVar:

ClinVar aggregate classification (germline): Uncertain significance. Review status: criteria provided, multiple submitters, no conflicts (2 of 4 stars). 3 submissions from 3 submitters: Uncertain significance (3). Last evaluated 2024-03-11.

Conditions:
Inborn genetic diseases. Identifiers: MedGen C0950123, MeSH D030342.
Cranioectodermal dysplasia 1 (CED1). Also called: LEVIN SYNDROME I. Identifiers: Orphanet 1515, MedGen C0432235, MONDO:0021093, OMIM 218330.

Allele frequency attached by ClinVar (database versions not stated): gnomAD 0.00001; gnomAD exomes 0.00001.

Submissions (3):

Fulgent Genetics
Classification: Uncertain significance for Cranioectodermal dysplasia 1. Last evaluated: 2024-03-11. Review status: criteria provided, single submitter. Criteria: ACMG Guidelines, 2015. Collection method: clinical testing. Allele origin: germline.

Ambry Genetics
Classification: Uncertain significance for Inborn genetic diseases. Last evaluated: 2023-11-27. Review status: criteria provided, single submitter. Criteria: Ambry Variant Classification Scheme 2023. Collection method: clinical testing. Allele origin: germline.

Labcorp Genetics (formerly Invitae), Labcorp
Classification: Uncertain significance for Cranioectodermal dysplasia 1. Last evaluated: 2022-10-24. Review status: criteria provided, single submitter. Criteria: Invitae Variant Classification Sherloc (09022015). Collection method: clinical testing. Allele origin: germline.
Comment: This sequence change replaces proline, which is neutral and non-polar, with leucine, which is neutral and non-polar, at codon 1016 of the IFT122 protein (p.Pro1016Leu). In summary, the available evidence is currently insufficient to determine the role of this variant in disease. Therefore, it has been classified as a Variant of Uncertain Significance. Advanced modeling of protein sequence and biophysical properties (such as structural, functional, and spatial information, amino acid conservation, physicochemical variation, residue mobility, and thermodynamic stability) performed at Invitae indicates that this missense variant is expected to disrupt IFT122 protein function. This variant has not been reported in the literature in individuals affected with IFT122-related conditions. This variant is present in population databases (no rsID available, gnomAD 0.06%).

NM_052989.3(IFT122):c.2894C>T (p.Pro965Leu)

Gene: IFT122 (intraflagellar transport 122; plus strand). Cytogenetic location: 3q22.1.
Variant type: single nucleotide variant.
Coding change: c.2894C>T on transcript NM_052989.3 (MANE Select); coding-DNA position 2894, C replaced by T.
Protein change: p.Pro965Leu; replaces proline 965 with leucine.
Molecular consequence: missense variant.
Genome position (GRCh38, 1-based): chr3:129,512,319, C>T. VCF-style: chr3-129512319-C-T. GRCh37 (hg19) VCF-style: chr3-129231162-C-T.
Other names: c.3047C>T (NM_052985.2); c.2873C>T, p.Pro958Leu (NM_001280541.2); c.2444C>T, p.Pro815Leu (NM_001280545.2); c.2267C>T, p.Pro756Leu (NM_001280546.2); c.2897C>T, p.Pro966Leu (NM_001410808.1); c.2840C>T, p.Pro947Leu (NM_001410809.1); c.2720C>T, p.Pro907Leu (NM_001410810.1); c.2666C>T, p.Pro889Leu (NM_001410811.1); and 6 more; short protein forms P888L, P907L, P1016L, P966L, P815L, P854L, P889L, P947L.
Identifiers: ClinVar variation 2182689 (VCV002182689.6), dbSNP rs1257511130, ClinGen allele CA354486193.